The following is an entry in ClinVar:

ClinVar aggregate classification (germline): Benign/Likely benign. Review status: criteria provided, multiple submitters, no conflicts (2 of 4 stars). 5 submissions from 5 submitters: Benign (2); Likely benign (3). Last evaluated 2025-09-26.

Conditions:
CFI-related disorder. Also called: CFI-related disorders; CFI-related condition. Identifiers: MedGen CN239325.
Atypical hemolytic-uremic syndrome with I factor anomaly. Also called: HEMOLYTIC UREMIC SYNDROME, ATYPICAL, SUSCEPTIBILITY TO, 3; AHUS, SUSCEPTIBILITY TO, 3. Identifiers: Orphanet 2134, MedGen C2752039, MONDO:0013041, OMIM 612923.
Age related macular degeneration 13. Identifiers: MedGen C3809523, MONDO:0014189, OMIM 615439.
Factor I deficiency (CFID). Also called: Complement factor I deficiency. Identifiers: Orphanet 200418, MedGen C3463916, MONDO:0012594, OMIM 610984.

Allele frequency attached by ClinVar (database versions not stated): TOPMed 0.00006; ESP Exome Variant Server 0.00015; 1000 Genomes Project 30x 0.00016; 1000 Genomes Project 0.00020; gnomAD exomes 0.00023 and 0.00043; gnomAD 0.00035 and 0.00036; ExAC 0.00042.
gnomAD v4.1: 403 of 1,614,198 alleles (0.025%); highest among the groups gnomAD compares: Non-Finnish European, 0.0092%; 2 homozygotes.

Submissions (5):

Genomenon, Inc
Classification: Likely benign for CFI-related disorder. Last evaluated: 2025-09-26. Review status: criteria provided, single submitter. Criteria: Genomenon Sequence Variant Interpretation Standards - Updated. Collection method: curation. Allele origin: germline. Affected: no.
Comment: CFI p.Thr107Ala (c.319A>G) is a missense variant that changes the amino acid at residue 107 from Threonine to Alanine. To our knowledge, this variant has not been reported in patients affected with CFI-related disorders in the published literature. Well-established functional studies show no damaging effect of this variant on protein function, supporting a benign classification (PMID:39584280). In silico models agree that this variant is not damaging. In conclusion, we classify CFI p.Thr107Ala (c.319A>G) as a likely benign variant.

Labcorp Genetics (formerly Invitae), Labcorp
Classification: Benign. Last evaluated: 2024-12-23. Review status: criteria provided, single submitter. Criteria: Invitae Variant Classification Sherloc (09022015). Collection method: clinical testing. Allele origin: germline.

Blueprint Genetics
Classification: Likely benign. Last evaluated: 2024-09-12. Review status: criteria provided, single submitter. Criteria: ACMG Guidelines, 2015. Collection method: clinical testing. Allele origin: germline.

Fulgent Genetics
Classification: Likely benign for Factor I deficiency; Atypical hemolytic-uremic syndrome with I factor anomaly; Age related macular degeneration 13. Last evaluated: 2022-02-04. Review status: criteria provided, single submitter. Criteria: ACMG Guidelines, 2015. Collection method: clinical testing. Allele origin: unknown.

Illumina Laboratory Services, Illumina
Classification: Benign for Atypical hemolytic-uremic syndrome with I factor anomaly. Last evaluated: 2018-01-12. Review status: criteria provided, single submitter. Criteria: ICSL Variant Classification Criteria 13 December 2019. Collection method: clinical testing. Allele origin: germline.
Comment: This variant was observed in the ICSL laboratory as part of a predisposition screen in an ostensibly healthy population. It had not been previously curated by ICSL or reported in the Human Gene Mutation Database (HGMD: prior to June 1st, 2018), and was therefore a candidate for classification through an automated scoring system. Utilizing variant allele frequency, disease prevalence and penetrance estimates, and inheritance mode, an automated score was calculated to assess if this variant is too frequent to cause the disease. Based on the score and internal cut-off values, a variant classified as benign is not then subjected to further curation. The score for this variant resulted in a classification of benign for this disease.

Literature cited by the submitters: PubMed 39584280 (cited by Genomenon, Inc).

NM_000204.5(CFI):c.319A>G (p.Thr107Ala)

Gene: CFI (complement factor I; minus strand). Cytogenetic location: 4q25.
Variant type: single nucleotide variant.
Coding change: c.319A>G on transcript NM_000204.5 (MANE Select); coding-DNA position 319, A replaced by G.
Protein change: p.Thr107Ala; replaces threonine 107 with alanine.
Molecular consequence: missense variant. On other transcripts: non-coding transcript variant (3), intron variant (1).
Genome position (GRCh38, 1-based): chr4:109,766,563, T>C on the plus strand (A>G on the coding strand, the complement: CFI is on the minus strand). VCF-style: chr4-109766563-T-C. GRCh37 (hg19) VCF-style: chr4-110687719-T-C.
Other names: c.319A>G, p.Thr107Ala (NM_001318057.2, NM_001331035.2, NM_001375278.1 and 5 more transcripts); c.-127-4871A>G (NM_001375284.1); short protein forms T107A.
Identifiers: ClinVar variation 347173 (VCV000347173.11), dbSNP rs201419000, ClinGen allele CA3042318.